The following is an entry in ClinVar:

ClinVar aggregate classification (germline): Uncertain significance (1 of 4 stars; one submission).

Conditions:
Sphingolipid activator protein 1 deficiency. Also called: METACHROMATIC LEUKODYSTROPHY DUE TO CEREBROSIDE SULFATASE ACTIVATOR DEFICIENCY; Metachromatic leukodystrophy due to saposin B deficiency; Saposin B Deficiency. Identifiers: Orphanet 512, MedGen C0268262, MONDO:0009590, OMIM 249900.

Submission:

Labcorp Genetics (formerly Invitae), Labcorp
Classification: Uncertain significance for Sphingolipid activator protein 1 deficiency. Last evaluated: 2022-03-04. Review status: criteria provided, single submitter. Criteria: Invitae Variant Classification Sherloc (09022015). Collection method: clinical testing. Allele origin: germline.
Comment: This sequence change replaces valine, which is neutral and non-polar, with leucine, which is neutral and non-polar, at codon 45 of the PSAP protein (p.Val45Leu). This variant is present in population databases (rs756076001, gnomAD 0.01%). This variant has not been reported in the literature in individuals affected with PSAP-related conditions. Algorithms developed to predict the effect of missense changes on protein structure and function output the following: SIFT: "Not Available"; PolyPhen-2: "Benign"; Align-GVGD: "Not Available". The leucine amino acid residue is found in multiple mammalian species, which suggests that this missense change does not adversely affect protein function. In summary, the available evidence is currently insufficient to determine the role of this variant in disease. Therefore, it has been classified as a Variant of Uncertain Significance.

NM_002778.4(PSAP):c.133G>T (p.Val45Leu)

Gene: PSAP (prosaposin; minus strand). Cytogenetic location: 10q22.1.
Variant type: single nucleotide variant.
Coding change: c.133G>T on transcript NM_002778.4 (MANE Select); coding-DNA position 133, G replaced by T.
Protein change: p.Val45Leu; replaces valine 45 with leucine.
Molecular consequence: missense variant.
Genome position (GRCh38, 1-based): chr10:71,834,413, C>A on the plus strand (G>T on the coding strand, the complement: PSAP is on the minus strand). VCF-style: chr10-71834413-C-A. GRCh37 (hg19) VCF-style: chr10-73594170-C-A.
Other names: c.133G>T, p.Val45Leu (NM_001042465.3, NM_001042466.3); short protein forms V45L.
Identifiers: ClinVar variation 2037466 (VCV002037466.1), dbSNP rs756076001, ClinGen allele CA5547889.